The following is an entry in ClinVar:

ClinVar aggregate classification (germline): Uncertain significance (1 of 4 stars; one submission).

Allele frequency attached by ClinVar (database versions not stated): TOPMed 0.00001 and below 0.00001; gnomAD 0.00001 and 0.00003.
gnomAD v4.1: 3 of 1,613,630 alleles (0.00019%); highest among the groups gnomAD compares: African/African-American, 0.0013%; no homozygotes.

Submission:

GeneDx
Classification: Uncertain significance. Last evaluated: 2017-10-16. Review status: criteria provided, single submitter. Criteria: GeneDx Variant Classification (06012015). Collection method: clinical testing. Allele origin: germline. Affected: yes.
Comment: The T371I variant in the CCM2 gene has not been reported previously as a pathogenic variant, nor as a benign variant, to our knowledge. The T371I variant is not observed at a significant frequency in large population cohorts (Lek et al., 2016). The T371I variant is a non-conservative amino acid substitution, which is likely to impact secondary protein structure as these residues differ in polarity, charge, size and/or other properties. This substitution occurs at a position that is conserved across species. In silico analysis is inconsistent in its predictions as to whether or not the variant is damaging to the protein structure/function. We interpret T371I as a variant of uncertain significance.

NM_031443.4(CCM2):c.1112C>T (p.Thr371Ile)

Gene: CCM2 (CCM2 scaffold protein; plus strand). Cytogenetic location: 7p13.
Variant type: single nucleotide variant.
Coding change: c.1112C>T on transcript NM_031443.4 (MANE Select); coding-DNA position 1112, C replaced by T.
Protein change: p.Thr371Ile; replaces threonine 371 with isoleucine.
Molecular consequence: missense variant. On other transcripts: non-coding transcript variant (1).
Genome position (GRCh38, 1-based): chr7:45,075,834, C>T. VCF-style: chr7-45075834-C-T. GRCh37 (hg19) VCF-style: chr7-45115433-C-T.
Other names: c.1175C>T, p.Thr392Ile (NM_001029835.2); c.938C>T, p.Thr313Ile (NM_001167934.2); c.839C>T, p.Thr280Ile (NM_001167935.2); c.1235C>T, p.Thr412Ile (NM_001363458.2); c.1061C>T, p.Thr354Ile (NM_001363459.2); short protein forms T371I, T392I, T354I, T280I, T313I, T412I.
Identifiers: ClinVar variation 452847 (VCV000452847.2), dbSNP rs1161125937, ClinGen allele CA367431637.
Genomic context (GRCh38, chr7:45,075,834, plus strand): 5'-CAGGTCTGAGGCCCTTCATCCCTGAGAAGGACAGCCAGCACTTCGAGAACTTCCTGGAGA[C>T]CATTGGCGTGAAGGATGGCCGCGGCATCATCACTGACAGCTTTGGCAGGCACCGGCGGGC-3'
Protein context (NP_113631.1, residues 361-381): DSQHFENFLE[Thr371Ile]IGVKDGRGII